The following is an entry in ClinVar:

NM_004100.5(EYA4):c.1109G>A (p.Arg370His)

Gene: EYA4 (EYA transcriptional coactivator and phosphatase 4; plus strand). Cytogenetic location: 6q23.2.
Variant type: single nucleotide variant.
Coding change: c.1109G>A on transcript NM_004100.5 (MANE Select); coding-DNA position 1109, G replaced by A.
Protein change: p.Arg370His; replaces arginine 370 with histidine.
Molecular consequence: missense variant.
Genome position (GRCh38, 1-based): chr6:133,483,033, G>A. VCF-style: chr6-133483033-G-A. GRCh37 (hg19) VCF-style: chr6-133804171-G-A.
Other names: c.947G>A, p.Arg316His (NM_001301012.2); c.1127G>A, p.Arg376His (NM_001301013.2); c.1040G>A, p.Arg347His (NM_001370458.1, NM_172103.4); c.965G>A, p.Arg322His (NM_001370459.1); c.1109G>A, p.Arg370His (NM_172105.4); short protein forms R370H, R322H, R347H, R376H, R316H.
Identifiers: ClinVar variation 163451 (VCV000163451.17), dbSNP rs143936434, ClinGen allele CA176102.

ClinVar aggregate classification (germline): Conflicting classifications of pathogenicity. Review status: criteria provided, conflicting classifications (1 of 4 stars). 5 submissions from 5 submitters: Likely pathogenic (1); Uncertain significance (3). 1 of the submissions does not count toward it. Last evaluated 2025-10-07.

Conditions:
EYA4-related disorder. Also called: EYA4-related disorders; EYA4-related condition. Identifiers: MedGen CN239388.
Cardiovascular phenotype. Identifiers: MedGen CN230736.
Autosomal dominant nonsyndromic hearing loss 10. Identifiers: Orphanet 90635, MedGen C1832476, MONDO:0011031, OMIM 601316.
Dilated cardiomyopathy 1J (CMD1J). Also called: CARDIOMYOPATHY, DILATED, WITH SENSORINEURAL HEARING LOSS, AUTOSOMAL DOMINANT. Identifiers: Orphanet 217622, MedGen C1854368, MONDO:0011541, OMIM 605362.

Allele frequency attached by ClinVar (database versions not stated): gnomAD 0.00001; TOPMed 0.00003; ExAC 0.00004; gnomAD exomes 0.00004; ESP Exome Variant Server 0.00015.
gnomAD v4.1: 43 of 1,611,724 alleles (0.0027%); highest among the groups gnomAD compares: South Asian, 0.0044%; no homozygotes.

Submissions (5):

Labcorp Genetics (formerly Invitae), Labcorp
Classification: Uncertain significance for Dilated cardiomyopathy 1J. Last evaluated: 2025-10-07. Review status: criteria provided, single submitter. Criteria: Invitae Variant Classification Sherloc (09022015). Collection method: clinical testing. Allele origin: germline.
Comment: This sequence change replaces arginine, which is basic and polar, with histidine, which is basic and polar, at codon 370 of the EYA4 protein (p.Arg370His). This variant is present in population databases (rs143936434, gnomAD 0.007%). This missense change has been observed in individual(s) with hearing loss (PMID: 30828794). ClinVar contains an entry for this variant (Variation ID: 163451). An algorithm developed to predict the effect of missense changes on protein structure and function (PolyPhen-2) suggests that this variant is likely to be disruptive. In summary, the available evidence is currently insufficient to determine the role of this variant in disease. Therefore, it has been classified as a Variant of Uncertain Significance.

Ambry Genetics
Classification: Uncertain significance for Cardiovascular phenotype. Last evaluated: 2025-06-12. Review status: criteria provided, single submitter. Criteria: Ambry Variant Classification Scheme 2023. Collection method: clinical testing. Allele origin: germline.
Comment: The p.R370H variant (also known as c.1109G>A), located in coding exon 12 of the EYA4 gene, results from a G to A substitution at nucleotide position 1109. The arginine at codon 370 is replaced by histidine, an amino acid with highly similar properties. This variant was reported in an individual with hearing loss and cochlear implants (Truong BT et al. Clin Genet, 2019 May;95:634-636). This variant was also reported in an adult individual from a large cardiomyopathy cohort screened by whole genome sequencing (Akinrinade O et al. J Cardiovasc Transl Res, 2023 Dec;16:1287-1302). This amino acid position is highly conserved in available vertebrate species. In addition, this alteration is predicted to be deleterious by in silico analysis. Based on the available evidence, the clinical significance of this variant remains unclear.

Santos-Cortez Lab, University of Colorado School of Medicine
Classification: Likely pathogenic for Autosomal dominant nonsyndromic hearing loss 10. Last evaluated: 2019-01-17. Review status: criteria provided, single submitter. Criteria: Submitter's publication. Collection method: research. Allele origin: germline. Inheritance: Autosomal dominant inheritance. Affected: yes.

Laboratory for Molecular Medicine, Mass General Brigham Personalized Medicine
Classification: Uncertain significance. Last evaluated: 2015-11-30. Review status: criteria provided, single submitter. Criteria: LMM Criteria. Collection method: clinical testing. Allele origin: germline. Observed: 1 variant allele.
Comment: proposed classification - variant undergoing re-assessment, contact laboratory

PreventionGenetics, part of Exact Sciences
Classification: Uncertain significance for EYA4-related condition. Last evaluated: 2024-06-30. Review status: no assertion criteria provided. Collection method: clinical testing. Allele origin: germline. Not counted in ClinVar's aggregate classification.
Comment: The EYA4 c.1109G>A variant is predicted to result in the amino acid substitution p.Arg370His. This variant was reported in an individual with hearing loss, although further evidence of pathogenicity was not presented (Truong et al. 2019. PubMed ID: 30828794). This variant is reported in 0.0065% of alleles in individuals of South Asian descent in gnomAD. At this time, the clinical significance of this variant is uncertain due to the absence of conclusive functional and genetic evidence.

Literature cited by the submitters: PubMed 30828794 (cited by Labcorp Genetics (formerly Invitae), Labcorp and Ambry Genetics); PubMed 37477868 (cited by Ambry Genetics).